The following is an entry in ClinVar:

NM_198578.4(LRRK2):c.2089A>C (p.Lys697Gln)

Gene: LRRK2 (leucine rich repeat kinase 2; plus strand). Cytogenetic location: 12q12.
Variant type: single nucleotide variant.
Coding change: c.2089A>C on transcript NM_198578.4 (MANE Select); coding-DNA position 2089, A replaced by C.
Protein change: p.Lys697Gln; replaces lysine 697 with glutamine.
Molecular consequence: missense variant.
Genome position (GRCh38, 1-based): chr12:40,278,109, A>C. VCF-style: chr12-40278109-A-C. GRCh37 (hg19) VCF-style: chr12-40671911-A-C.
Other names: short protein forms K697Q.
Identifiers: ClinVar variation 3540681 (VCV003540681.1).

ClinVar aggregate classification (germline): Uncertain significance (1 of 4 stars; one submission).

Conditions:
Inborn genetic diseases. Identifiers: MedGen C0950123, MeSH D030342.

gnomAD v4.1: 2 of 1,614,046 alleles (0.00012%); highest among the groups gnomAD compares: Non-Finnish European, 0.00017%; no homozygotes.

Submission:

Ambry Genetics
Classification: Uncertain significance for Inborn genetic diseases. Last evaluated: 2024-09-16. Review status: criteria provided, single submitter. Criteria: Ambry Variant Classification Scheme 2023. Collection method: clinical testing. Allele origin: germline.
Comment: The p.K697Q variant (also known as c.2089A>C), located in coding exon 18 of the LRRK2 gene, results from an A to C substitution at nucleotide position 2089. The lysine at codon 697 is replaced by glutamine, an amino acid with similar properties. This amino acid position is conserved. In addition, this alteration is predicted to be tolerated by in silico analysis. Based on the available evidence, the clinical significance of this variant remains unclear.